The following is an entry in ClinVar:

ClinVar aggregate classification (germline): Pathogenic (1 of 4 stars; one submission).

Conditions:
Osteogenesis imperfecta type 8 (OI8). Identifiers: MedGen C1970458, MONDO:0012581, OMIM 610915.

Submission:

Labcorp Genetics (formerly Invitae), Labcorp
Classification: Pathogenic for Osteogenesis imperfecta type 8. Last evaluated: 2021-06-10. Review status: criteria provided, single submitter. Criteria: Invitae Variant Classification Sherloc (09022015). Collection method: clinical testing. Allele origin: germline.
Comment: This variant is a gross deletion of the genomic region encompassing exon(s) 9 of the P3H1 gene. This deletion is out-of-frame, and is expected to create a premature translational stop signal and result in an absent or disrupted protein product. Loss-of-function variants in P3H1 are known to be pathogenic (PMID: 17277775, 18566967, 19088120, 22281939). This variant has been observed in individual(s) with osteogenesis imperfecta (PMID: 18566967). This variant is also known as c.1346-340 _1473+36del in LEPRE1. For these reasons, this variant has been classified as Pathogenic.

Literature cited by the submitters: PubMed 17277775; PubMed 18566967; PubMed 19088120; PubMed 22281939.

NC_000001.10:g.(?_43218172)_(43218675_?)del

Gene: P3H1 (prolyl 3-hydroxylase 1; minus strand). Cytogenetic location: 1p34.2.
Variant type: Deletion.
Identifiers: ClinVar variation 1459537 (VCV001459537.1).